The following is an entry in ClinVar:

ClinVar aggregate classification (germline): Pathogenic. Review status: criteria provided, multiple submitters, no conflicts (2 of 4 stars). 2 submissions from 2 submitters: Pathogenic (2). Last evaluated 2025-11-02.

Conditions:
Hypertrophic cardiomyopathy. Also called: HYPERTROPHIC MYOCARDIOPATHY. Identifiers: Orphanet 217569, MedGen C0007194, MeSH D002312, MONDO:0005045, HP:0001639.

Submissions (2):

Labcorp Genetics (formerly Invitae), Labcorp
Classification: Pathogenic for Hypertrophic cardiomyopathy. Last evaluated: 2025-11-02. Review status: criteria provided, single submitter. Criteria: Invitae Variant Classification Sherloc (09022015). Collection method: clinical testing. Allele origin: germline.
Comment: This sequence change creates a premature translational stop signal (p.Tyr847*) in the MYBPC3 gene. It is expected to result in an absent or disrupted protein product. Loss-of-function variants in MYBPC3 are known to be pathogenic (PMID: 19574547). This variant is not present in population databases (gnomAD no frequency). This premature translational stop signal has been observed in individual(s) with hypertrophic cardiomyopathy (PMID: 15519027, 25611685, 29121657). ClinVar contains an entry for this variant (Variation ID: 177852). For these reasons, this variant has been classified as Pathogenic.

Laboratory for Molecular Medicine, Mass General Brigham Personalized Medicine
Classification: Pathogenic for Hypertrophic cardiomyopathy. Last evaluated: 2021-01-25. Review status: criteria provided, single submitter. Criteria: LMM Criteria. Collection method: clinical testing. Allele origin: germline. Inheritance: Autosomal dominant inheritance. Observed: 1 variant allele.
Comment: The p.Tyr847X variant in MYBPC3 has been reported in 1 individual with hypertrophic cardiomyopathy (Alfares 2015 PMID: 25611685; Walsh 2017 PMID: 27532257; LMM data). It was absent from large population studies. This nonsense variant leads to a premature termination codon at position 847, which is predicted to lead to a truncated or absent protein. Loss of function of the MYBPC3 gene is an established disease mechanism in autosomal dominant HCM. Another variant involving this codon (c.2541C>G, p.Tyr847X) has been identified in individuals with hypertrophic cardiomyopathy and is classified as pathogenic by this and other laboratories. In summary, this variant meets criteria to be classified as pathogenic for autosomal dominant hypertrophic cardiomyopathy. ACMG/AMP Criteria applied: PVS1, PM2_Supporting, PM5.

Literature cited by the submitters: PubMed 19574547 (cited by Labcorp Genetics (formerly Invitae), Labcorp); PubMed 15519027 (cited by Labcorp Genetics (formerly Invitae), Labcorp and Laboratory for Molecular Medicine, Mass General Brigham Personalized Medicine); PubMed 25611685 (cited by Labcorp Genetics (formerly Invitae), Labcorp and Laboratory for Molecular Medicine, Mass General Brigham Personalized Medicine); PubMed 29121657 (cited by Labcorp Genetics (formerly Invitae), Labcorp); PubMed 27532257 (cited by Laboratory for Molecular Medicine, Mass General Brigham Personalized Medicine).

NM_000256.3(MYBPC3):c.2541C>A (p.Tyr847Ter)

Gene: MYBPC3 (myosin binding protein C3; minus strand). Cytogenetic location: 11p11.2.
Variant type: single nucleotide variant.
Coding change: c.2541C>A on transcript NM_000256.3 (MANE Select); coding-DNA position 2541, C replaced by A.
Protein change: p.Tyr847Ter; replaces tyrosine 847 with a stop codon.
Molecular consequence: nonsense.
Genome position (GRCh38, 1-based): chr11:47,337,452, G>T on the plus strand (C>A on the coding strand, the complement: MYBPC3 is on the minus strand). VCF-style: chr11-47337452-G-T. GRCh37 (hg19) VCF-style: chr11-47359003-G-T.
Other names: short protein forms Y847*.
Identifiers: ClinVar variation 177852 (VCV000177852.13), dbSNP rs397515974, ClinGen allele CA012558.